The following is an entry in ClinVar:

ClinVar aggregate classification (germline): Uncertain significance (1 of 4 stars; one submission).

Conditions:
Inborn genetic diseases. Identifiers: MedGen C0950123, MeSH D030342.

Submission:

Ambry Genetics
Classification: Uncertain significance for Inborn genetic diseases. Last evaluated: 2026-02-21. Review status: criteria provided, single submitter. Criteria: Ambry Variant Classification Scheme 2023. Collection method: clinical testing. Allele origin: germline.
Comment: The p.G774R variant (also known as c.2320G>C), located in coding exon 12 of the BMPR2 gene, results from a G to C substitution at nucleotide position 2320. The glycine at codon 774 is replaced by arginine, an amino acid with dissimilar properties. This amino acid position is conserved. In addition, this alteration is predicted to be deleterious by in silico analysis. Based on the available evidence, the clinical significance of this variant remains unclear.

NM_001204.7(BMPR2):c.2320G>C (p.Gly774Arg)

Gene: BMPR2 (bone morphogenetic protein receptor type 2; plus strand). Cytogenetic location: 2q33.2.
Variant type: single nucleotide variant.
Coding change: c.2320G>C on transcript NM_001204.7 (MANE Select); coding-DNA position 2320, G replaced by C.
Protein change: p.Gly774Arg; replaces glycine 774 with arginine.
Molecular consequence: missense variant.
Genome position (GRCh38, 1-based): chr2:202,555,985, G>C. VCF-style: chr2-202555985-G-C. GRCh37 (hg19) VCF-style: chr2-203420708-G-C.
Other names: short protein forms G774R.
Identifiers: ClinVar variation 4824935 (VCV004824935.1).
Genomic context (GRCh38, chr2:202,555,985, plus strand): 5'-AGACCTACTAGTTTGCCTTTGAACACCAAAAATTCAACAAAAGAGCCCCGGCTAAAATTT[G>C]GCAGCAAGCACAAATCAAACTTGAAACAAGTCGAAACTGGAGTTGCCAAGATGAATACAA-3'
Protein context (NP_001195.2, residues 764-784): NSTKEPRLKF[Gly774Arg]SKHKSNLKQV